The following is an entry in ClinVar:

NM_015378.4(VPS13D):c.11882-8T>C

Gene: VPS13D (vacuolar protein sorting 13 homolog D; plus strand). Cytogenetic location: 1p36.22.
Variant type: single nucleotide variant.
Coding change: c.11882-8T>C on transcript NM_015378.4 (MANE Select); 8 bases into the intron before coding-DNA position 11882, T replaced by C.
Molecular consequence: intron variant.
Genome position (GRCh38, 1-based): chr1:12,403,817, T>C. VCF-style: chr1-12403817-T-C. GRCh37 (hg19) VCF-style: chr1-12463870-T-C.
Other names: p.?; c.11807-8T>C (NM_018156.4); c.11882-8T>C (NM_015378.3).
Identifiers: ClinVar variation 1298408 (VCV001298408.43), dbSNP rs144848289, ClinGen allele CA604079.
Genomic context (GRCh38, chr1:12,403,817, plus strand): 5'-AAGTGGATTCTGTGGATCATGAGACTAAGAAATTCTTTTTTGTTTTTTTAATTCTTCCTT[T>C]GTACCAGAGGTGGAAAAATATGATGAAAACCTCCATGAAAAGACAGCTGAGCAAGGTGGA-3'

ClinVar aggregate classification (germline): Benign/Likely benign. Review status: criteria provided, multiple submitters, no conflicts (2 of 4 stars). 5 submissions from 5 submitters: Benign (2); Likely benign (2). 1 of the submissions does not count toward it. Last evaluated 2026-09-01.

Conditions:
VPS13D-related disorder. Also called: VPS13D-related condition.

Allele frequency attached by ClinVar (database versions not stated): 1000 Genomes Project 0.00060; 1000 Genomes Project 30x 0.00062; TOPMed 0.00161; gnomAD exomes 0.00249 and 0.00294; ExAC 0.00325; ESP Exome Variant Server 0.00185; gnomAD 0.00192 and 0.00201.
gnomAD v4.1: 4,420 of 1,574,900 alleles (0.28%); highest among the groups gnomAD compares: Non-Finnish European, 0.35%; 8 homozygotes.

Submissions (5):

CeGaT Center for Human Genetics Tuebingen
Classification: Likely benign. Last evaluated: 2026-09-01. Review status: criteria provided, single submitter. Criteria: CeGaT Center For Human Genetics Tuebingen Variant Classification Criteria Version 2. Collection method: clinical testing. Allele origin: germline. Affected: yes. Observed: 10 variant alleles.
Comment: VPS13D: BP4, BS2

Labcorp Genetics (formerly Invitae), Labcorp
Classification: Benign. Last evaluated: 2026-01-15. Review status: criteria provided, single submitter. Criteria: Invitae Variant Classification Sherloc (09022015). Collection method: clinical testing. Allele origin: germline.

Blueprint Genetics
Classification: Likely benign. Last evaluated: 2024-11-21. Review status: criteria provided, single submitter. Criteria: ACMG Guidelines, 2015. Collection method: clinical testing. Allele origin: germline.

Mayo Clinic Laboratories, Mayo Clinic
Classification: Benign. Last evaluated: 2024-10-16. Review status: criteria provided, single submitter. Criteria: ACMG Guidelines, 2015. Collection method: clinical testing. Allele origin: germline. Observed: 8 variant alleles.
Comment: BS1, BS2, BP4, BP7

PreventionGenetics, part of Exact Sciences
Classification: Likely benign for VPS13D-related condition. Last evaluated: 2019-04-26. Review status: no assertion criteria provided. Collection method: clinical testing. Allele origin: germline. Not counted in ClinVar's aggregate classification.
Comment: This variant is classified as likely benign based on ACMG/AMP sequence variant interpretation guidelines (Richards et al. 2015 PMID: 25741868, with internal and published modifications).